The following is an entry in ClinVar:

NM_024675.4(PALB2):c.2320A>G (p.Lys774Glu)

Gene: PALB2 (partner and localizer of BRCA2; minus strand). Cytogenetic location: 16p12.2.
Variant type: single nucleotide variant.
Coding change: c.2320A>G on transcript NM_024675.4 (MANE Select); coding-DNA position 2320, A replaced by G.
Protein change: p.Lys774Glu; replaces lysine 774 with glutamic acid.
Molecular consequence: missense variant.
Genome position (GRCh38, 1-based): chr16:23,629,834, T>C on the plus strand (A>G on the coding strand, the complement: PALB2 is on the minus strand). VCF-style: chr16-23629834-T-C. GRCh37 (hg19) VCF-style: chr16-23641155-T-C.
Other names: short protein forms K774E.
Identifiers: ClinVar variation 964993 (VCV000964993.16), dbSNP rs757892044, ClinGen allele CA7963595.

ClinVar aggregate classification (germline): Uncertain significance. Review status: criteria provided, multiple submitters, no conflicts (2 of 4 stars). 3 submissions from 3 submitters: Uncertain significance (3). Last evaluated 2025-03-03.

Conditions:
Hereditary cancer-predisposing syndrome. Also called: Tumor predisposition; Hereditary neoplastic syndrome; Hereditary Cancer Syndrome; Neoplastic Syndromes, Hereditary. Identifiers: Orphanet 140162, MedGen C0027672, MeSH D009386, MONDO:0015356.
Familial cancer of breast. Also called: BREAST CANCER, FAMILIAL; Hereditary breast cancer; hereditary breast carcinoma. Identifiers: Orphanet 227535, MedGen C0346153, MONDO:0016419, OMIM 114480. Disease mechanism: loss of function.

Allele frequency attached by ClinVar (database versions not stated): gnomAD exomes below 0.00001; ExAC 0.00001.

Submissions (3):

Labcorp Genetics (formerly Invitae), Labcorp
Classification: Uncertain significance for Familial cancer of breast. Last evaluated: 2025-03-03. Review status: criteria provided, single submitter. Criteria: Invitae Variant Classification Sherloc (09022015). Collection method: clinical testing. Allele origin: germline.
Comment: This sequence change replaces lysine, which is basic and polar, with glutamic acid, which is acidic and polar, at codon 774 of the PALB2 protein (p.Lys774Glu). This variant is present in population databases (rs757892044, gnomAD no frequency). This variant has not been reported in the literature in individuals affected with PALB2-related conditions. ClinVar contains an entry for this variant (Variation ID: 964993). Invitae Evidence Modeling of protein sequence and biophysical properties (such as structural, functional, and spatial information, amino acid conservation, physicochemical variation, residue mobility, and thermodynamic stability) indicates that this missense variant is not expected to disrupt PALB2 protein function with a negative predictive value of 80%. In summary, the available evidence is currently insufficient to determine the role of this variant in disease. Therefore, it has been classified as a Variant of Uncertain Significance.

GeneDx
Classification: Uncertain significance. Last evaluated: 2024-10-07. Review status: criteria provided, single submitter. Criteria: GeneDx Variant Classification Process June 2021. Collection method: clinical testing. Allele origin: germline. Affected: yes.
Comment: Not observed at significant frequency in large population cohorts (gnomAD); In silico analysis indicates that this missense variant does not alter protein structure/function; Has not been previously published as pathogenic or benign to our knowledge

Ambry Genetics
Classification: Uncertain significance for Hereditary cancer-predisposing syndrome. Last evaluated: 2024-04-12. Review status: criteria provided, single submitter. Criteria: Ambry Variant Classification Scheme 2023. Collection method: clinical testing. Allele origin: germline.
Comment: The p.K774E variant (also known as c.2320A>G), located in coding exon 5 of the PALB2 gene, results from an A to G substitution at nucleotide position 2320. The lysine at codon 774 is replaced by glutamic acid, an amino acid with similar properties. This amino acid position is conserved. In addition, this alteration is predicted to be tolerated by in silico analysis. Since supporting evidence is limited at this time, the clinical significance of this alteration remains unclear.